The following is an entry in ClinVar:

NM_000166.6(GJB1):c.152T>C (p.Phe51Ser)

Gene: GJB1 (gap junction protein beta 1; plus strand). Cytogenetic location: Xq13.1.
Variant type: single nucleotide variant.
Coding change: c.152T>C on transcript NM_000166.6 (MANE Select); coding-DNA position 152, T replaced by C.
Protein change: p.Phe51Ser; replaces phenylalanine 51 with serine.
Molecular consequence: missense variant.
Genome position (GRCh38, 1-based): chrX:71,223,859, T>C. VCF-style: chrX-71223859-T-C. GRCh37 (hg19) VCF-style: chrX-70443709-T-C.
Other names: c.152T>C, p.Phe51Ser (NM_001097642.3); short protein forms F51S.
Identifiers: ClinVar variation 827663 (VCV000827663.2), dbSNP rs1602348850, ClinGen allele CA413501163.

ClinVar aggregate classification (germline): Uncertain significance (1 of 4 stars; one submission).

Submission:

MVZ Dr. Eberhard & Partner Dortmund
Classification: Uncertain significance. Last evaluated: 2019-02-25. Review status: criteria provided, single submitter. Criteria: ACMG Guidelines, 2015. Collection method: clinical testing. Allele origin: unknown. Observed: 1 heterozygote.
Comment: This variant is absent from controls like ESP, 1000 genomes or gnomAD. It is a missense change at an amino acid residue where a different missense change was determined to be pathogenic. Multiple lines of computational evidence support a deleterious effect.